The following is an entry in ClinVar:

NM_001009944.3(PKD1):c.5940C>T (p.Cys1980=)

Gene: PKD1 (polycystin 1, transient receptor potential channel interacting; minus strand). Cytogenetic location: 16p13.3.
Variant type: single nucleotide variant.
Coding change: c.5940C>T on transcript NM_001009944.3 (MANE Select); coding-DNA position 5940, C replaced by T.
Protein change: p.Cys1980=; no amino-acid change (cysteine 1980 retained).
Molecular consequence: synonymous variant.
Genome position (GRCh38, 1-based): chr16:2,109,227, G>A on the plus strand (C>T on the coding strand, the complement: PKD1 is on the minus strand). VCF-style: chr16-2109227-G-A. GRCh37 (hg19) VCF-style: chr16-2159228-G-A.
Other names: c.5940C>T, p.Cys1980= (NM_000296.4).
Identifiers: ClinVar variation 4927825 (VCV004927825.2).

ClinVar aggregate classification (germline): Likely benign. Review status: criteria provided, multiple submitters, no conflicts (2 of 4 stars). 2 submissions from 2 submitters: Likely benign (2). Last evaluated 2026-09-09.

Conditions:
PKD1-related disorder. Also called: PKD1-related condition.

Submissions (2):

PreventionGenetics, part of Exact Sciences
Classification: Likely benign for PKD1-related condition. Last evaluated: 2026-09-09. Review status: criteria provided, single submitter. Criteria: ACMG Guidelines, 2015. Collection method: clinical testing. Allele origin: germline.
Comment: This variant is classified as likely benign based on ACMG/AMP sequence variant interpretation guidelines (Richards et al. 2015 PMID: 25741868, with internal and published modifications).

Blueprint Genetics
Classification: Likely benign. Last evaluated: 2024-06-05. Review status: criteria provided, single submitter. Criteria: ACMG Guidelines, 2015. Collection method: clinical testing. Allele origin: germline.